The following is an entry in ClinVar:

NM_006180.6(NTRK2):c.884C>G (p.Pro295Arg)

Gene: NTRK2 (neurotrophic receptor tyrosine kinase 2; plus strand). Cytogenetic location: 9q21.33.
Variant type: single nucleotide variant.
Coding change: c.884C>G on transcript NM_006180.6 (MANE Select); coding-DNA position 884, C replaced by G.
Protein change: p.Pro295Arg; replaces proline 295 with arginine.
Molecular consequence: missense variant. On other transcripts: intron variant (2).
Genome position (GRCh38, 1-based): chr9:84,727,684, C>G. VCF-style: chr9-84727684-C-G. GRCh37 (hg19) VCF-style: chr9-87342599-C-G.
Other names: c.884C>G, p.Pro295Arg (NM_001007097.3, NM_001018064.3, NM_001018065.2 and 16 more transcripts); c.416C>G, p.Pro139Arg (NM_001369535.1, NM_001369536.1, NM_001369550.1 and 2 more transcripts); c.854-9C>G (NM_001291937.2, NM_001369546.1); short protein forms P139R, P295R.
Identifiers: ClinVar variation 5000922 (VCV005000922.1).

ClinVar aggregate classification (germline): Uncertain significance (1 of 4 stars; one submission).

Conditions:
NTRK2-related disorder. Also called: NTRK2-related condition.

Submission:

PreventionGenetics, part of Exact Sciences
Classification: Uncertain significance for NTRK2-related condition. Last evaluated: 2025-04-24. Review status: criteria provided, single submitter. Criteria: ACMG Guidelines, 2015. Collection method: clinical testing. Allele origin: germline.
Comment: The NTRK2 c.884C>G variant is predicted to result in the amino acid substitution p.Pro295Arg. To our knowledge, this variant has not been reported in the literature or in a large population database (gnomAD), indicating this variant is rare. At this time, the clinical significance of this variant is uncertain due to the absence of conclusive functional and genetic evidence.